The following is an entry in ClinVar:

ClinVar aggregate classification (germline): Uncertain significance (1 of 4 stars; one submission).

Conditions:
COG4-congenital disorder of glycosylation. Also called: COG4-CDG; CONGENITAL DISORDER OF GLYCOSYLATION, TYPE IIj; CDG IIj. Identifiers: Orphanet 263501, MedGen C4303552, MONDO:0013281, OMIM 613489.

gnomAD v4.1: 11 of 1,614,066 alleles (0.00068%); highest among the groups gnomAD compares: Middle Eastern, 0.016%; no homozygotes.

Submission:

Labcorp Genetics (formerly Invitae), Labcorp
Classification: Uncertain significance for COG4-congenital disorder of glycosylation. Last evaluated: 2025-07-14. Review status: criteria provided, single submitter. Criteria: Invitae Variant Classification Sherloc (09022015). Collection method: clinical testing. Allele origin: germline.
Comment: This sequence change replaces glutamic acid, which is acidic and polar, with lysine, which is basic and polar, at codon 543 of the COG4 protein (p.Glu543Lys). This variant is present in population databases (no rsID available, gnomAD 0.003%). This variant has not been reported in the literature in individuals affected with COG4-related conditions. Invitae Evidence Modeling of protein sequence and biophysical properties (such as structural, functional, and spatial information, amino acid conservation, physicochemical variation, residue mobility, and thermodynamic stability) indicates that this missense variant is not expected to disrupt COG4 protein function with a negative predictive value of 80%. In summary, the available evidence is currently insufficient to determine the role of this variant in disease. Therefore, it has been classified as a Variant of Uncertain Significance.

NM_015386.3(COG4):c.1627G>A (p.Glu543Lys)

Gene: COG4 (component of oligomeric golgi complex 4; minus strand). Cytogenetic location: 16q22.1.
Variant type: single nucleotide variant.
Coding change: c.1627G>A on transcript NM_015386.3 (MANE Select); coding-DNA position 1627, G replaced by A.
Protein change: p.Glu543Lys; replaces glutamic acid 543 with lysine.
Molecular consequence: missense variant. On other transcripts: non-coding transcript variant (1).
Genome position (GRCh38, 1-based): chr16:70,496,286, C>T on the plus strand (G>A on the coding strand, the complement: COG4 is on the minus strand). VCF-style: chr16-70496286-C-T. GRCh37 (hg19) VCF-style: chr16-70530189-C-T.
Other names: c.1615G>A, p.Glu539Lys (NM_001195139.2); c.1201G>A, p.Glu401Lys (NM_001365426.1); short protein forms E539K, E401K, E543K.
Identifiers: ClinVar variation 4739682 (VCV004739682.1).